The following is an entry in ClinVar:

ClinVar aggregate classification (germline): Uncertain significance (1 of 4 stars; one submission).

Conditions:
Hereditary cancer-predisposing syndrome. Also called: Hereditary neoplastic syndrome; Neoplastic Syndromes, Hereditary; Tumor predisposition; Hereditary Cancer Syndrome. Identifiers: Orphanet 140162, MedGen C0027672, MeSH D009386, MONDO:0015356.

Submission:

Ambry Genetics
Classification: Uncertain significance for Hereditary cancer-predisposing syndrome. Last evaluated: 2021-06-13. Review status: criteria provided, single submitter. Criteria: Ambry Variant Classification Scheme 2023. Collection method: clinical testing. Allele origin: germline.
Comment: The p.C2246F variant (also known as c.6737G>T), located in coding exon 45 of the ATM gene, results from a G to T substitution at nucleotide position 6737. The cysteine at codon 2246 is replaced by phenylalanine, an amino acid with highly dissimilar properties. This amino acid position is conserved. In addition, the in silico prediction for this alteration is inconclusive. Since supporting evidence is limited at this time, the clinical significance of this alteration remains unclear.

NM_000051.4(ATM):c.6737G>T (p.Cys2246Phe)

Genes: ATM (ATM serine/threonine kinase; plus strand), C11orf65 (chromosome 11 open reading frame 65; minus strand). Cytogenetic location: 11q22.3.
Variant type: single nucleotide variant.
Coding change: c.6737G>T on transcript NM_000051.4 (MANE Select); coding-DNA position 6737, G replaced by T.
Protein change: p.Cys2246Phe; replaces cysteine 2246 with phenylalanine.
Molecular consequence: missense variant. On other transcripts: intron variant (2).
Genome position (GRCh38, 1-based): chr11:108,325,474, G>T. VCF-style: chr11-108325474-G-T. GRCh37 (hg19) VCF-style: chr11-108196201-G-T.
Other names: c.6737G>T, p.Cys2246Phe (NM_001351834.2); c.641-16403C>A (NM_001330368.2); c.*38+9746C>A (NM_001351110.2); short protein forms C2246F.
Identifiers: ClinVar variation 1755168 (VCV001755168.2), dbSNP rs2085573174, ClinGen allele CA382555171.